The following is an entry in ClinVar:

ClinVar aggregate classification (germline): Likely benign (0 of 4 stars; one submission).

Conditions:
VPS13C-related disorder. Also called: VPS13C-related condition.

Allele frequency attached by ClinVar (database versions not stated): TOPMed 0.00001; ExAC 0.00002.

Submission:

PreventionGenetics, part of Exact Sciences
Classification: Likely benign for VPS13C-related condition. Last evaluated: 2023-11-17. Review status: no assertion criteria provided. Collection method: clinical testing. Allele origin: germline.
Comment: This variant is classified as likely benign based on ACMG/AMP sequence variant interpretation guidelines (Richards et al. 2015 PMID: 25741868, with internal and published modifications).

NM_020821.3(VPS13C):c.8340G>T (p.Arg2780=)

Gene: VPS13C (vacuolar protein sorting 13 homolog C; minus strand). Cytogenetic location: 15q22.2.
Variant type: single nucleotide variant.
Coding change: c.8340G>T on transcript NM_020821.3 (MANE Select); coding-DNA position 8340, G replaced by T.
Protein change: p.Arg2780=; no amino-acid change (arginine 2780 retained).
Molecular consequence: synonymous variant.
Genome position (GRCh38, 1-based): chr15:61,915,738, C>A on the plus strand (G>T on the coding strand, the complement: VPS13C is on the minus strand). VCF-style: chr15-61915738-C-A. GRCh37 (hg19) VCF-style: chr15-62207937-C-A.
Other names: c.8340G>T, p.Arg2780= (NM_001018088.3); c.8211G>T, p.Arg2737= (NM_017684.5, NM_018080.4).
Identifiers: ClinVar variation 3054058 (VCV003054058.2), dbSNP rs376504259, ClinGen allele CA7595027.